The following is an entry in ClinVar:

ClinVar aggregate classification (germline): Likely pathogenic (1 of 4 stars; one submission).

Conditions:
RYR1-related disorder. Also called: RYR1-related condition; RYR1-related disorders. Identifiers: MedGen CN239331.

Submission:

Labcorp Genetics (formerly Invitae), Labcorp
Classification: Likely pathogenic for RYR1-related disorder. Last evaluated: 2024-02-06. Review status: criteria provided, single submitter. Criteria: Invitae Variant Classification Sherloc (09022015). Collection method: clinical testing. Allele origin: germline.
Comment: This sequence change affects a donor splice site in intron 5 of the RYR1 gene. It is expected to disrupt RNA splicing. Variants that disrupt the donor or acceptor splice site typically lead to a loss of protein function (PMID: 16199547), and loss-of-function variants in RYR1 are known to be pathogenic (PMID: 23919265, 25960145, 28818389, 30611313). This variant is not present in population databases (gnomAD no frequency). This variant has not been reported in the literature in individuals affected with RYR1-related conditions. Algorithms developed to predict the effect of sequence changes on RNA splicing suggest that this variant may disrupt the consensus splice site. In summary, the currently available evidence indicates that the variant is pathogenic, but additional data are needed to prove that conclusively. Therefore, this variant has been classified as Likely Pathogenic.

Literature cited by the submitters: PubMed 16199547; PubMed 23919265; PubMed 25960145; PubMed 28818389; PubMed 30611313.

NM_000540.3(RYR1):c.424+1G>T

Gene: RYR1 (ryanodine receptor 1; plus strand). Cytogenetic location: 19q13.2.
Variant type: single nucleotide variant.
Coding change: c.424+1G>T on transcript NM_000540.3 (MANE Select); the canonical splice donor site of the intron after coding-DNA position 424, G replaced by T.
Molecular consequence: splice donor variant.
Genome position (GRCh38, 1-based): chr19:38,443,797, G>T. VCF-style: chr19-38443797-G-T. GRCh37 (hg19) VCF-style: chr19-38934437-G-T.
Other names: c.424+1G>T (NM_001042723.2).
Identifiers: ClinVar variation 3639072 (VCV003639072.2).